The following is an entry in ClinVar:

NM_002529.4(NTRK1):c.1354C>G (p.Arg452Gly)

Gene: NTRK1 (neurotrophic receptor tyrosine kinase 1; plus strand). Cytogenetic location: 1q23.1.
Variant type: single nucleotide variant.
Coding change: c.1354C>G on transcript NM_002529.4 (MANE Select); coding-DNA position 1354, C replaced by G.
Protein change: p.Arg452Gly; replaces arginine 452 with glycine.
Molecular consequence: missense variant.
Genome position (GRCh38, 1-based): chr1:156,875,008, C>G. VCF-style: chr1-156875008-C-G. GRCh37 (hg19) VCF-style: chr1-156844800-C-G.
Other names: c.1354C>G (NM_002529.3); c.1246C>G, p.Arg416Gly (NM_001007792.1); c.1336C>G, p.Arg446Gly (NM_001012331.2); short protein forms R452G, R416G, R446G.
Identifiers: ClinVar variation 649652 (VCV000649652.7), dbSNP rs34900547, ClinGen allele CA1169284.

ClinVar aggregate classification (germline): Uncertain significance. Review status: criteria provided, multiple submitters, no conflicts (2 of 4 stars). 5 submissions from 5 submitters: Uncertain significance (3). 2 of the submissions do not count toward it. Last evaluated 2023-04-11.

Conditions:
Inborn genetic diseases. Identifiers: MedGen C0950123, MeSH D030342.
NTRK1-related disorder. Also called: NTRK1-related condition.
Hereditary insensitivity to pain with anhidrosis (CIPA). Also called: NTRK1 Congenital Insensitivity to Pain with Anhidrosis; NEUROPATHY, CONGENITAL SENSORY, WITH ANHIDROSIS; HSAN Type IV; hereditary sensory and autonomic neuropathy type 4; INSENSITIVITY TO PAIN, CONGENITAL, WITH ANHIDROSIS; FAMILIAL DYSAUTONOMIA, TYPE II. Identifiers: Orphanet 642, MedGen C0020074, MONDO:0009746, OMIM 256800.

Allele frequency attached by ClinVar (database versions not stated): TOPMed 0.00001.
gnomAD v4.1: 43 of 1,607,464 alleles (0.0027%); highest among the groups gnomAD compares: Non-Finnish European, 0.0036%; no homozygotes.

Submissions (5):

Genome-Nilou Lab
Classification: Uncertain significance for Hereditary insensitivity to pain with anhidrosis. Last evaluated: 2023-04-11. Review status: criteria provided, single submitter. Criteria: ACMG Guidelines, 2015. Collection method: clinical testing. Allele origin: germline. Affected: no.

Labcorp Genetics (formerly Invitae), Labcorp
Classification: Uncertain significance for Hereditary insensitivity to pain with anhidrosis. Last evaluated: 2021-09-01. Review status: criteria provided, single submitter. Criteria: Invitae Variant Classification Sherloc (09022015). Collection method: clinical testing. Allele origin: germline.
Comment: This sequence change replaces arginine with glycine at codon 446 of the NTRK1 protein (p.Arg446Gly). The arginine residue is highly conserved and there is a moderate physicochemical difference between arginine and glycine. This variant is present in population databases (rs34900547, ExAC 0.009%). This variant has not been reported in the literature in individuals affected with NTRK1-related conditions. Algorithms developed to predict the effect of missense changes on protein structure and function (SIFT, PolyPhen-2, Align-GVGD) all suggest that this variant is likely to be tolerated. Algorithms developed to predict the effect of sequence changes on RNA splicing suggest that this variant may create or strengthen a splice site. In summary, the available evidence is currently insufficient to determine the role of this variant in disease. Therefore, it has been classified as a Variant of Uncertain Significance.

Ambry Genetics
Classification: Uncertain significance for Inborn genetic diseases. Last evaluated: 2021-08-20. Review status: criteria provided, single submitter. Criteria: Ambry Variant Classification Scheme 2023. Collection method: clinical testing. Allele origin: germline.
Comment: The p.R446G variant (also known as c.1336C>G), located in coding exon 10 of the NTRK1 gene, results from a C to G substitution at nucleotide position 1336. The amino acid change results in arginine to glycine at codon 446, an amino acid with dissimilar properties. This amino acid position is highly conserved in available vertebrate species. In addition, the in silico prediction for this alteration is inconclusive. Since supporting evidence is limited at this time, the clinical significance of this alteration remains unclear.

PreventionGenetics, part of Exact Sciences
Classification: Uncertain significance for NTRK1-related condition. Last evaluated: 2024-09-12. Review status: no assertion criteria provided. Collection method: clinical testing. Allele origin: germline. Not counted in ClinVar's aggregate classification.
Comment: The NTRK1 c.1354C>G variant is predicted to result in the amino acid substitution p.Arg452Gly. To our knowledge, this variant has not been reported in the literature. This variant is reported in 0.0029% of alleles in individuals of Latino descent in gnomAD. At this time, the clinical significance of this variant is uncertain due to the absence of conclusive functional and genetic evidence.

Natera, Inc.
Classification: Uncertain significance for Hereditary insensitivity to pain with anhidrosis. Last evaluated: 2020-04-17. Review status: no assertion criteria provided. Collection method: clinical testing. Allele origin: germline. Not counted in ClinVar's aggregate classification.